The following is an entry in ClinVar:

NM_016222.4(DDX41):c.931C>T (p.Arg311Ter)

Gene: DDX41 (DEAD-box helicase 41; minus strand). Cytogenetic location: 5q35.3.
Variant type: single nucleotide variant.
Coding change: c.931C>T on transcript NM_016222.4 (MANE Select); coding-DNA position 931, C replaced by T.
Protein change: p.Arg311Ter; replaces arginine 311 with a stop codon.
Molecular consequence: nonsense.
Genome position (GRCh38, 1-based): chr5:177,514,705, G>A on the plus strand (C>T on the coding strand, the complement: DDX41 is on the minus strand). VCF-style: chr5-177514705-G-A. GRCh37 (hg19) VCF-style: chr5-176941706-G-A.
Other names: c.553C>T, p.Arg185Ter (NM_001321732.2, NM_001321830.2); c.931C>T (NM_016222.3); short protein forms R185*, R311*.
Identifiers: ClinVar variation 1327658 (VCV001327658.16), dbSNP rs899399494, ClinGen allele CA132891855.

ClinVar aggregate classification (germline): Pathogenic. Review status: criteria provided, multiple submitters, no conflicts (2 of 4 stars). 9 submissions from 9 submitters: Pathogenic (9). Last evaluated 2026-06-30.

Conditions:
DDX41-related hematologic malignancy predisposition syndrome. Also called: Myeloproliferative/lymphoproliferative neoplasms, familial (multiple types), susceptibility to; DDX41-Associated Familial Myelodysplastic Syndrome and Acute Myeloid Leukemia. Identifiers: Orphanet 488647, MedGen C4225174, MONDO:0014809, OMIM 616871.
Inborn genetic diseases. Identifiers: MedGen C0950123, MeSH D030342.
Focal segmental glomerulosclerosis 9 (FSGS9). Identifiers: Orphanet 656, MedGen C4015555, MONDO:0014539, OMIM 616220.
Inherited acute myeloid leukemia. Identifiers: Orphanet 319465, MedGen C4707228, MONDO:0017893.

Allele frequency attached by ClinVar (database versions not stated): gnomAD 0.00001; gnomAD exomes 0.00001; TOPMed 0.00001.

Submissions (9):

Clinical Genetics Laboratory, Skane University Hospital Lund
Classification: Pathogenic for DDX41-related hematologic malignancy predisposition syndrome. Last evaluated: 2026-06-30. Review status: criteria provided, single submitter. Criteria: ACMG Guidelines, 2015. Collection method: clinical testing. Allele origin: germline. Affected: no.
Comment: Classified according to the following ACMG criteria: PVS1, PS4, and PM2.

Labcorp Genetics (formerly Invitae), Labcorp
Classification: Pathogenic. Last evaluated: 2026-01-21. Review status: criteria provided, single submitter. Criteria: Invitae Variant Classification Sherloc (09022015). Collection method: clinical testing. Allele origin: germline.
Comment: This sequence change creates a premature translational stop signal (p.Arg311*) in the DDX41 gene. It is expected to result in an absent or disrupted protein product. Loss-of-function variants in DDX41 are known to be pathogenic (PMID: 26712909, 27133828). The frequency data for this variant in the population databases is considered unreliable, as metrics indicate poor data quality at this position in the gnomAD database. This premature translational stop signal has been observed in individual(s) with DDX41-related conditions (PMID: 35671390). ClinVar contains an entry for this variant (Variation ID: 1327658). For these reasons, this variant has been classified as Pathogenic.

Saint-Louis Hospital, Assistance Publique Hôpitaux de Paris
Classification: Pathogenic for DDX41-related hematologic malignancy predisposition syndrome. Last evaluated: 2025-05-13. Review status: criteria provided, single submitter. Criteria: ACMG Guidelines, 2015. Collection method: clinical testing. Allele origin: germline. Affected: yes.
Comment: The variant DDX41(NM_016222.4):c.931C>T:p.(Arg311Ter) is very rare in control population databse and leads to premature stop codon. Loss-of-function variants in DDX41 are known to be pathogenic (PMID: 26712909, 27133828). It has been reported in individuals with suspected or confirmed predisposition to myeloid malignancies (Lewinsohn et al, 2016 PMID: 26712909; Cardoso et al, 2016, PMID:27133828; Duployez et al, 2022, PMID: 35443031)

GeneDx
Classification: Pathogenic. Last evaluated: 2025-04-14. Review status: criteria provided, single submitter. Criteria: GeneDx Variant Classification Process June 2021. Collection method: clinical testing. Allele origin: germline. Affected: yes.
Comment: Nonsense variant predicted to result in protein truncation or nonsense mediated decay in a gene for which loss-of-function is a known mechanism of disease; Not observed at significant frequency in large population cohorts (gnomAD); This variant is associated with the following publications: (PMID: 36672294, 35443031, 35671390, 32307695, 34644397, 37874914, 37665752)

Ambry Genetics
Classification: Pathogenic for Inborn genetic diseases. Last evaluated: 2025-01-16. Review status: criteria provided, single submitter. Criteria: Ambry Variant Classification Scheme 2023. Collection method: clinical testing. Allele origin: germline.
Comment: The p.R311* pathogenic mutation (also known as c.931C>T), located in coding exon 9 of the DDX41 gene, results from a C to T substitution at nucleotide position 931. This changes the amino acid from an arginine to a stop codon within coding exon 9. This variant was reported in individual(s) with hematologic malignancy (Alkhateeb HB et al. Blood Adv, 2022 Jan;6:528-532; Li P et al. Blood, 2022 Aug;140:716-755; Duployez N et al. Blood, 2022 Aug;140:756-768; Badar T et al. Haematologica, 2023 Nov;108:3033-3043; Maierhofer A et al. Blood Adv, 2023 Dec;7:7346-7357). This alteration is expected to result in loss of function by premature protein truncation or nonsense-mediated mRNA decay. As such, this alteration is interpreted as a disease-causing mutation.

Johns Hopkins Genomics, Johns Hopkins University
Classification: Pathogenic for Focal segmental glomerulosclerosis 9. Last evaluated: 2024-09-25. Review status: criteria provided, single submitter. Criteria: ACMG Guidelines, 2015. Collection method: clinical testing. Allele origin: germline.
Comment: This nonsense variant in DDX41 has been identified in unrelated patients with myeloid neoplasms and MDS. This variant (rs899399494) is rare (<0.1%) in a large population dataset (gnomAD v4.1.0: 7/1609862 total alleles, 0.0004%, no homozygotes) and has been reported in ClinVar (Variation ID 1327658). This nonsense variant results in a premature stop codon in exon 9 of 17, likely leading to nonsense-mediated RNA decay and lack of protein production. We consider c.931C>T in DDX41 to be pathogenic.

Baylor Genetics
Classification: Pathogenic for DDX41-related hematologic malignancy predisposition syndrome. Last evaluated: 2023-09-28. Review status: criteria provided, single submitter. Criteria: ACMG Guidelines, 2015. Collection method: clinical testing. Allele origin: unknown.

Institute of Medical Genetics and Applied Genomics, University Hospital Tübingen
Classification: Pathogenic for Inherited acute myeloid leukemia. Last evaluated: 2023-07-14. Review status: criteria provided, single submitter. Criteria: ACMG Guidelines, 2015. Collection method: clinical testing. Allele origin: germline. Inheritance: Autosomal dominant inheritance. Affected: yes.

Juno Genomics, Hangzhou Juno Genomics, Inc
Classification: Pathogenic for DDX41-related hematologic malignancy predisposition syndrome. Review status: criteria provided, single submitter. Criteria: ACMG Guidelines, 2015. Collection method: clinical testing. Allele origin: germline.
Comment: Absent from controls (or at extremely low frequency if recessive) in Genome Aggregation Database.;Null variant in a gene where loss of function (LOF) is a known mechanism of disease.;The prevalence of the variant in affected individuals is significantly increased compared to the prevalence in controls.

Literature cited by the submitters: PubMed 26712909 (cited by Labcorp Genetics (formerly Invitae), Labcorp and Saint-Louis Hospital, Assistance Publique Hôpitaux de Paris); PubMed 27133828 (cited by Labcorp Genetics (formerly Invitae), Labcorp and Saint-Louis Hospital, Assistance Publique Hôpitaux de Paris); PubMed 35671390 (cited by 3 submitters); PubMed 35443031 (cited by Saint-Louis Hospital, Assistance Publique Hôpitaux de Paris and Ambry Genetics); PubMed 34644397 (cited by Ambry Genetics); PubMed 37199125 (cited by Ambry Genetics); PubMed 37874914 (cited by Ambry Genetics); PubMed 32307695 (cited by Johns Hopkins Genomics, Johns Hopkins University).